The following is an entry in ClinVar:

ClinVar aggregate classification (germline): Conflicting classifications of pathogenicity. Review status: criteria provided, conflicting classifications (1 of 4 stars). 3 submissions from 3 submitters: Uncertain significance (1); Benign (1); Likely benign (1). Last evaluated 2025-09-24.

Conditions:
Hereditary nonpolyposis colorectal neoplasms. Identifiers: MedGen C0009405, MeSH D003123.
Lynch syndrome 4 (LYNCH4). Also called: Colorectal cancer, hereditary nonpolyposis, type 4; Hereditary non-polyposis colorectal cancer, type 4. Identifiers: Orphanet 144, MedGen C1838333, MONDO:0013699, OMIM 614337. Disease mechanism: loss of function.
Hereditary cancer-predisposing syndrome. Also called: Hereditary Cancer Syndrome; Tumor predisposition; Neoplastic Syndromes, Hereditary; Hereditary neoplastic syndrome. Identifiers: Orphanet 140162, MedGen C0027672, MeSH D009386, MONDO:0015356.

Submissions (3):

Labcorp Genetics (formerly Invitae), Labcorp
Classification: Likely benign for Hereditary nonpolyposis colorectal neoplasms. Last evaluated: 2025-09-24. Review status: criteria provided, single submitter. Criteria: Invitae Variant Classification Sherloc (09022015). Collection method: clinical testing. Allele origin: germline.

Color Diagnostics, LLC DBA Color Health
Classification: Uncertain significance for Hereditary cancer-predisposing syndrome. Last evaluated: 2025-07-02. Review status: criteria provided, single submitter. Criteria: ACMG Guidelines, 2015. Collection method: clinical testing. Allele origin: germline.
Comment: This synonymous variant is located in exon 14 of the PMS2 protein. Splice site prediction tools suggest that this variant may have a significant impact on RNA splicing. However, this prediction has not been confirmed in published RNA studies. This variant has not been reported in individuals affected with PMS2-related disorders in the literature. This variant has not been identified in the general population by the Genome Aggregation Database (gnomAD). The available evidence is insufficient to determine the role of this variant in disease conclusively. Therefore, this variant is classified as a Variant of Uncertain Significance.

Myriad Genetics, Inc.
Classification: Benign for Lynch syndrome 4. Last evaluated: 2025-02-04. Review status: criteria provided, single submitter. Criteria: Myriad Autosomal Dominant, Autosomal Recessive and X-Linked Classification Criteria (2023). Collection method: clinical testing. Allele origin: unknown.
Comment: This variant is considered benign. This variant is a silent/synonymous amino acid change and it is not expected to impact splicing.

NM_000535.7(PMS2):c.2301G>T (p.Leu767=)

Gene: PMS2 (PMS1 homolog 2, mismatch repair system component; minus strand). Cytogenetic location: 7p22.1.
Variant type: single nucleotide variant.
Coding change: c.2301G>T on transcript NM_000535.7 (MANE Select); coding-DNA position 2301, G replaced by T.
Protein change: p.Leu767=; no amino-acid change (leucine 767 retained).
Molecular consequence: synonymous variant.
Genome position (GRCh38, 1-based): chr7:5,977,732, C>A on the plus strand (G>T on the coding strand, the complement: PMS2 is on the minus strand). VCF-style: chr7-5977732-C-A. GRCh37 (hg19) VCF-style: chr7-6017363-C-A.
Other names: c.1896G>T, p.Leu632= (NM_001322003.2, NM_001322004.2, NM_001322005.2); c.2145G>T, p.Leu715= (NM_001322006.2); c.1983G>T, p.Leu661= (NM_001322007.2, NM_001322008.2); c.1929G>T, p.Leu643= (NM_001322009.2); c.1740G>T, p.Leu580= (NM_001322010.2); c.1368G>T, p.Leu456= (NM_001322011.2, NM_001322012.2); c.1728G>T, p.Leu576= (NM_001322013.2); c.2334G>T, p.Leu778= (NM_001322014.2); and 1 more.
Identifiers: ClinVar variation 702190 (VCV000702190.11), dbSNP rs1554293987, ClinGen allele CA453642472.